The following is an entry in ClinVar:

NM_001754.5(RUNX1):c.1277C>T (p.Pro426Leu)

Gene: RUNX1 (RUNX family transcription factor 1; minus strand). Cytogenetic location: 21q22.12.
Variant type: single nucleotide variant.
Coding change: c.1277C>T on transcript NM_001754.5 (MANE Select); coding-DNA position 1277, C replaced by T.
Protein change: p.Pro426Leu; replaces proline 426 with leucine.
Molecular consequence: missense variant.
Genome position (GRCh38, 1-based): chr21:34,792,301, G>A on the plus strand (C>T on the coding strand, the complement: RUNX1 is on the minus strand). VCF-style: chr21-34792301-G-A. GRCh37 (hg19) VCF-style: chr21-36164598-G-A.
Other names: NM_001754.5(RUNX1):c.1277C>T; p.Pro426Leu; c.1196C>T, p.Pro399Leu (NM_001001890.3); short protein forms P426L, P399L.
Identifiers: ClinVar variation 3791507 (VCV003791507.1).

ClinVar aggregate classification (germline): Uncertain significance. Review status: reviewed by expert panel (3 of 4 stars). 2 submissions from 2 submitters: Uncertain significance (1). 1 of the submissions does not count toward it. Last evaluated 2025-07-11.

Conditions:
Inborn genetic diseases. Identifiers: MedGen C0950123, MeSH D030342.
Hereditary thrombocytopenia and hematologic cancer predisposition syndrome. Identifiers: Orphanet 71290, MedGen CN281654, MONDO:0011071.

Submissions (2):

ClinGen Myeloid Malignancy Variant Curation Expert Panel
Classification: Uncertain significance for Hereditary thrombocytopenia and hematologic cancer predisposition syndrome. Last evaluated: 2025-07-11. Review status: reviewed by expert panel. Criteria: ClinGen MyeloMalig ACMG Specifications v2. Collection method: curation. Allele origin: germline. Inheritance: Autosomal dominant inheritance.
Comment: NM_001754.5(RUNX1):c.1277C>T (p.Pro426Leu) is a missense variant which has a REVEL score < 0.50 (0.226), and a SpliceAI score ≤ 0.20 (0.0) (BP4). This variant is completely absent from all population databases with at least 20x coverage for RUNX1 (PM2_Supporting). In summary, the clinical significance of this variant is uncertain. ACMG/AMP criteria applied, as specified by the Myeloid Malignancy Variant Curation Expert Panel for RUNX1: PM2_supporting, BP4.

Ambry Genetics
Classification: Uncertain significance for Inborn genetic diseases. Last evaluated: 2025-02-12. Review status: criteria provided, single submitter. Criteria: Ambry Variant Classification Scheme 2023. Collection method: clinical testing. Allele origin: germline. Not counted in ClinVar's aggregate classification.
Comment: The p.P426L variant (also known as c.1277C>T), located in coding exon 8 of the RUNX1 gene, results from a C to T substitution at nucleotide position 1277. The proline at codon 426 is replaced by leucine, an amino acid with similar properties. This amino acid position is conserved. In addition, this alteration is predicted to be tolerated by in silico analysis. Based on the available evidence, the clinical significance of this variant remains unclear.